The following is an entry in ClinVar:

ClinVar aggregate classification (germline): Uncertain significance (1 of 4 stars; one submission).

Conditions:
Familial hemiplegic migraine. Identifiers: MedGen C0338484, MONDO:0000700.

Submission:

Labcorp Genetics (formerly Invitae), Labcorp
Classification: Uncertain significance for Familial hemiplegic migraine. Last evaluated: 2025-04-17. Review status: criteria provided, single submitter. Criteria: Invitae Variant Classification Sherloc (09022015). Collection method: clinical testing. Allele origin: germline.
Comment: This sequence change replaces phenylalanine, which is neutral and non-polar, with serine, which is neutral and polar, at codon 687 of the ATP1A2 protein (p.Phe687Ser). This variant is not present in population databases (gnomAD no frequency). This variant has not been reported in the literature in individuals affected with ATP1A2-related conditions. Invitae Evidence Modeling of protein sequence and biophysical properties (such as structural, functional, and spatial information, amino acid conservation, physicochemical variation, residue mobility, and thermodynamic stability) indicates that this missense variant is expected to disrupt ATP1A2 protein function with a positive predictive value of 80%. In summary, the available evidence is currently insufficient to determine the role of this variant in disease. Therefore, it has been classified as a Variant of Uncertain Significance.

NM_000702.4(ATP1A2):c.2060T>C (p.Phe687Ser)

Gene: ATP1A2 (ATPase Na+/K+ transporting subunit alpha 2; plus strand). Cytogenetic location: 1q23.2.
Variant type: single nucleotide variant.
Coding change: c.2060T>C on transcript NM_000702.4 (MANE Select); coding-DNA position 2060, T replaced by C.
Protein change: p.Phe687Ser; replaces phenylalanine 687 with serine.
Molecular consequence: missense variant.
Genome position (GRCh38, 1-based): chr1:160,135,240, T>C. VCF-style: chr1-160135240-T-C. GRCh37 (hg19) VCF-style: chr1-160105030-T-C.
Other names: short protein forms F687S.
Identifiers: ClinVar variation 4746181 (VCV004746181.1).